The following is an entry in ClinVar:

ClinVar aggregate classification (germline): Uncertain significance (1 of 4 stars; one submission).

Allele frequency attached by ClinVar (database versions not stated): TOPMed below 0.00001; gnomAD 0.00001.
gnomAD v4.1: 2 of 1,613,990 alleles (0.00012%); highest among the groups gnomAD compares: Non-Finnish European, 0.00017%; no homozygotes.

Submission:

Labcorp Genetics (formerly Invitae), Labcorp
Classification: Uncertain significance. Last evaluated: 2022-02-28. Review status: criteria provided, single submitter. Criteria: Invitae Variant Classification Sherloc (09022015). Collection method: clinical testing. Allele origin: germline.
Comment: This variant has not been reported in the literature in individuals affected with PPP1R15B-related conditions. In summary, the available evidence is currently insufficient to determine the role of this variant in disease. Therefore, it has been classified as a Variant of Uncertain Significance. Algorithms developed to predict the effect of missense changes on protein structure and function output the following: SIFT: "Tolerated"; PolyPhen-2: "Benign"; Align-GVGD: "Class C0". The glycine amino acid residue is found in multiple mammalian species, which suggests that this missense change does not adversely affect protein function. This variant is not present in population databases (gnomAD no frequency). This sequence change replaces alanine, which is neutral and non-polar, with glycine, which is neutral and non-polar, at codon 375 of the PPP1R15B protein (p.Ala375Gly).

NM_032833.5(PPP1R15B):c.1124C>G (p.Ala375Gly)

Gene: PPP1R15B (protein phosphatase 1 regulatory subunit 15B; minus strand). Cytogenetic location: 1q32.1.
Variant type: single nucleotide variant.
Coding change: c.1124C>G on transcript NM_032833.5 (MANE Select); coding-DNA position 1124, C replaced by G.
Protein change: p.Ala375Gly; replaces alanine 375 with glycine.
Molecular consequence: missense variant.
Genome position (GRCh38, 1-based): chr1:204,410,288, G>C on the plus strand (C>G on the coding strand, the complement: PPP1R15B is on the minus strand). VCF-style: chr1-204410288-G-C. GRCh37 (hg19) VCF-style: chr1-204379416-G-C.
Other names: short protein forms A375G.
Identifiers: ClinVar variation 2104883 (VCV002104883.4), dbSNP rs1674342841, ClinGen allele CA344353360.